The following is an entry in ClinVar:

ClinVar aggregate classification (germline): Conflicting classifications of pathogenicity. Review status: criteria provided, conflicting classifications (1 of 4 stars). 2 submissions from 2 submitters: Uncertain significance (1); Benign (1). Last evaluated 2018-01-13.

Conditions:
Maturity-onset diabetes of the young (MODY). Also called: Maturity onset diabetes mellitus in young. Identifiers: Orphanet 552, MedGen C0342276, MONDO:0018911, HP:0004904.
Maturity-onset diabetes of the young type 3. Also called: MODY type 3; MODY, type III. Identifiers: Orphanet 552, MedGen C1838100, MeSH C563933, MONDO:0010894, OMIM 600496. Disease mechanism: loss of function.

Allele frequency attached by ClinVar (database versions not stated): gnomAD exomes 0.00006 and 0.00012; gnomAD 0.00013 and 0.00014; TOPMed 0.00017.
gnomAD v4.1: 43 of 535,310 alleles (0.008%); highest among the groups gnomAD compares: Admixed American, 0.058%; no homozygotes.

Submissions (2):

Illumina Laboratory Services, Illumina
Classification: Uncertain significance for Maturity-onset diabetes of the young type 3. Last evaluated: 2018-01-13. Review status: criteria provided, single submitter. Criteria: ICSL Variant Classification Criteria 13 December 2019. Collection method: clinical testing. Allele origin: germline.

Clinical Genomics, Uppaluri K&H Personalized Medicine Clinic
Classification: Benign for Maturity-onset diabetes of the young. Review status: criteria provided, single submitter. Criteria: K & H Uppaluri Personalized Medicine Clinic Variant Classification & Assertion Criteria_Updated V.1. Collection method: research. Allele origin: unknown. Inheritance: Autosomal dominant inheritance.
Comment: Mutations in HNF1A gene can predispose to MODY3. It is associated with both micro and macrovascular complications of diabetes, especially cardiovascular complications. Associated with glucosuria. May respond well to sulfonylureas. However, more evidence is required to confer the association of this particular variant rs1026422272 with MODY3.

Literature cited by the submitters: PubMed 31517624 (cited by Clinical Genomics, Uppaluri K&H Personalized Medicine Clinic); PubMed 32395877 (cited by Clinical Genomics, Uppaluri K&H Personalized Medicine Clinic); PubMed 35328643 (cited by Clinical Genomics, Uppaluri K&H Personalized Medicine Clinic); PubMed 35673428 (cited by Clinical Genomics, Uppaluri K&H Personalized Medicine Clinic).

NM_000545.8(HNF1A):c.*621C>T

Genes: C12orf43 (chromosome 12 open reading frame 43; minus strand), HNF1A (HNF1 homeobox A; plus strand). Cytogenetic location: 12q24.31.
Variant type: single nucleotide variant.
Coding change: c.*621C>T on transcript NM_000545.8 (MANE Select); 621 bases downstream of the stop codon, C replaced by T.
Molecular consequence: 3 prime UTR variant.
Genome position (GRCh38, 1-based): chr12:121,001,813, C>T. VCF-style: chr12-121001813-C-T. GRCh37 (hg19) VCF-style: chr12-121439616-C-T.
Other names: c.*2340G>A (NM_001286191.2, NM_001286196.2, NM_022895.3); c.*621C>T (NM_001306179.2, NM_001406915.1).
Identifiers: ClinVar variation 880943 (VCV000880943.5), dbSNP rs1026422272, ClinGen allele CA244514158.